The following is an entry in ClinVar:

NM_021926.4(ALX4):c.234_235insT (p.Ser79Ter)

Gene: ALX4 (ALX homeobox 4; minus strand). Cytogenetic location: 11p11.2.
Variant type: Insertion.
Coding change: c.234_235insT on transcript NM_021926.4 (MANE Select); coding-DNA positions 234 to 235, T inserted.
Protein change: p.Ser79Ter; replaces serine 79 with a stop codon.
Molecular consequence: nonsense.
Genome position: GRCh38 VCF-style: chr11-44309828-T-TA. GRCh37 (hg19) VCF-style: chr11-44331378-T-TA.
Other names: short protein forms S79*.
Identifiers: ClinVar variation 4888413 (VCV004888413.1).

ClinVar aggregate classification (germline): Likely pathogenic (1 of 4 stars; one submission).

Conditions:
Parietal foramina 2 (PFM2). Identifiers: Orphanet 60015, MedGen C1865044, MONDO:0012309, OMIM 609597.

Submission:

New York Genome Center
Classification: Likely pathogenic for Parietal foramina 2. Last evaluated: 2024-05-02. Review status: criteria provided, single submitter. Criteria: NYGC Assertion Criteria 2020. Collection method: clinical testing. Allele origin: inherited. Observed: 1 variant allele, 1 heterozygote.
Comment: The c.234_235insT p.(Ser79Ter) variant in ALX4 is located in exon 1 of this 4-exon gene, predicted to incorporate a premature termination codon p.(Ser79Ter), and is expected to result in loss-of-function via nonsense mediated decay. This variant is absent from the gnomAD database (v4.1), suggesting it is not a common benign variant in populations represented by that database. Two frameshift variants have been reported upstream of this variant [PMID: 29215649, 25963140] in patients with craniosynostosis or frontonasal dysplasia while many loss-of-function variants that are downstream to this variant have been reported in the literature associated with parietal foramina [PMID: 16319823, 26795593, 27975139, 11106354] or frontonasal dysplasia [PMID: 19692347, 29681084, 24668755]. Based on available evidence this inherited c.234_235insT p.(Ser79Ter) variant identified in ALX4 is classified as Likely Pathogenic.